The following is an entry in ClinVar:

ClinVar aggregate classification (germline): Uncertain significance. Review status: criteria provided, multiple submitters, no conflicts (2 of 4 stars). 3 submissions from 3 submitters: Uncertain significance (3). Last evaluated 2022-08-31.

Conditions:
Inborn genetic diseases. Identifiers: MedGen C0950123, MeSH D030342.
Neuronal ceroid lipofuscinosis. Also called: Neuronal Ceroid Lipofuscinoses. Identifiers: Orphanet 216, Orphanet 79263, MedGen C0027877, MONDO:0016295. Disease mechanism: loss of function.

Allele frequency attached by ClinVar (database versions not stated): gnomAD exomes 0.00002; ExAC 0.00003; ESP Exome Variant Server 0.00008; gnomAD 0.00009 and 0.00010; TOPMed 0.00011.

Submissions (3):

Labcorp Genetics (formerly Invitae), Labcorp
Classification: Uncertain significance for Neuronal ceroid lipofuscinosis. Last evaluated: 2022-08-31. Review status: criteria provided, single submitter. Criteria: Invitae Variant Classification Sherloc (09022015). Collection method: clinical testing. Allele origin: germline.
Comment: This sequence change replaces arginine, which is basic and polar, with histidine, which is basic and polar, at codon 205 of the CTSD protein (p.Arg205His). This variant is present in population databases (rs371522391, gnomAD 0.01%). This variant has not been reported in the literature in individuals affected with CTSD-related conditions. ClinVar contains an entry for this variant (Variation ID: 862579). Algorithms developed to predict the effect of missense changes on protein structure and function output the following: SIFT: "Tolerated"; PolyPhen-2: "Benign"; Align-GVGD: "Class C0". The histidine amino acid residue is found in multiple mammalian species, which suggests that this missense change does not adversely affect protein function. In summary, the available evidence is currently insufficient to determine the role of this variant in disease. Therefore, it has been classified as a Variant of Uncertain Significance.

GeneDx
Classification: Uncertain significance. Last evaluated: 2021-10-08. Review status: criteria provided, single submitter. Criteria: GeneDx Variant Classification Process June 2021. Collection method: clinical testing. Allele origin: germline. Affected: yes.
Comment: In silico analysis supports that this missense variant does not alter protein structure/function; Has not been previously published as pathogenic or benign to our knowledge

Ambry Genetics
Classification: Uncertain significance for Inborn genetic diseases. Last evaluated: 2021-06-15. Review status: criteria provided, single submitter. Criteria: Ambry Variant Classification Scheme 2023. Collection method: clinical testing. Allele origin: germline.

NM_001909.5(CTSD):c.614G>A (p.Arg205His)

Gene: CTSD (cathepsin D; minus strand). Cytogenetic location: 11p15.5.
Variant type: single nucleotide variant.
Coding change: c.614G>A on transcript NM_001909.5 (MANE Select); coding-DNA position 614, G replaced by A.
Protein change: p.Arg205His; replaces arginine 205 with histidine.
Molecular consequence: missense variant.
Genome position (GRCh38, 1-based): chr11:1,757,414, C>T on the plus strand (G>A on the coding strand, the complement: CTSD is on the minus strand). VCF-style: chr11-1757414-C-T. GRCh37 (hg19) VCF-style: chr11-1778644-C-T.
Other names: short protein forms R205H.
Identifiers: ClinVar variation 862579 (VCV000862579.7), dbSNP rs371522391, ClinGen allele CA5814129.